The following is an entry in ClinVar:

ClinVar aggregate classification (germline): Uncertain significance (1 of 4 stars; one submission).

Submission:

CeGaT Center for Human Genetics Tuebingen
Classification: Uncertain significance. Last evaluated: 2026-07-01. Review status: criteria provided, single submitter. Criteria: CeGaT Center For Human Genetics Tuebingen Variant Classification Criteria Version 2. Collection method: clinical testing. Allele origin: germline. Affected: yes. Observed: 1 variant allele.
Comment: SF1: PM2, PVS1:Moderate, PS2:Supporting

NM_004630.4(SF1):c.667dup (p.Arg223fs)

Gene: SF1 (splicing factor 1; minus strand). Cytogenetic location: 11q13.1.
Variant type: Duplication.
Coding change: c.667dup on transcript NM_004630.4 (MANE Select); coding-DNA position 667, one base duplicated (A; older notation c.667dupA).
Protein change: p.Arg223fs; shifts the reading frame from arginine 223.
Molecular consequence: frameshift variant.
Genome position (GRCh38, 1-based): chr11:64,769,335, T duplicated on the plus strand (A on the coding strand, the reverse complement: SF1 is on the minus strand); the first of 2 consecutive T bases (chr11:64,769,335-64,769,336); duplicating either gives the same sequence. VCF-style (leftmost placement, unchanged base first): chr11-64769334-C-CT. GRCh37 (hg19) VCF-style: chr11-64536806-C-CT.
Other names: c.1042dup, p.Arg348fs (NM_001178030.2, NM_001378956.1, NM_001378957.1 and 2 more transcripts); c.589dup, p.Arg197fs (NM_001178031.3, NM_001440584.1, NM_001440585.1); c.667dup, p.Arg223fs (NM_001346363.2, NM_001346364.2, NM_001440582.1 and 4 more transcripts); c.322dup, p.Arg108fs (NM_001346409.2, NM_001346410.2); short protein forms R108fs, R197fs, R223fs, R348fs.
Identifiers: ClinVar variation 5040268 (VCV005040268.1).
Genomic context (GRCh38, chr11:64,769,334, plus strand): 5'-TGCATCTTCCGTAGATCATTCTGGTCCTCTGGAGTCTCGATACCCTGCTTCAGGATGTTT[C>CT]TTATCTAGTGAAAATGCAATGGACAGTTAAGTGCTTAGGGCCTCCACCTAGGTTTCTGCT-3'